The following is an entry in ClinVar:

NM_006885.4(ZFHX3):c.2283G>A (p.Gly761=)

Gene: ZFHX3 (zinc finger homeobox 3; minus strand). Cytogenetic location: 16q22.3.
Variant type: single nucleotide variant.
Coding change: c.2283G>A on transcript NM_006885.4 (MANE Select); coding-DNA position 2283, G replaced by A.
Protein change: p.Gly761=; no amino-acid change (glycine 761 retained).
Molecular consequence: synonymous variant. On other transcripts: intron variant (1).
Genome position (GRCh38, 1-based): chr16:72,957,863, C>T on the plus strand (G>A on the coding strand, the complement: ZFHX3 is on the minus strand). VCF-style: chr16-72957863-C-T. GRCh37 (hg19) VCF-style: chr16-72991762-C-T.
Other names: c.2283G>A, p.Gly761= (NM_001386735.1); c.-23-6898G>A (NM_001164766.2).
Identifiers: ClinVar variation 3042665 (VCV003042665.2), dbSNP rs186640909, ClinGen allele CA8164508.

ClinVar aggregate classification (germline): Benign (0 of 4 stars; one submission).

Conditions:
ZFHX3-related disorder. Also called: ZFHX3-related condition.

Allele frequency attached by ClinVar (database versions not stated): ESP Exome Variant Server 0.00008; 1000 Genomes Project 30x 0.00625; 1000 Genomes Project 0.00739.
gnomAD v4.1: 1,609 of 1,614,056 alleles (0.1%); highest among the groups gnomAD compares: East Asian, 3.2%; 23 homozygotes.

Submission:

PreventionGenetics, part of Exact Sciences
Classification: Benign for ZFHX3-related condition. Last evaluated: 2019-08-09. Review status: no assertion criteria provided. Collection method: clinical testing. Allele origin: germline.
Comment: This variant is classified as benign based on ACMG/AMP sequence variant interpretation guidelines (Richards et al. 2015 PMID: 25741868, with internal and published modifications).